The following is an entry in ClinVar:

ClinVar aggregate classification (germline): Uncertain significance (1 of 4 stars; one submission).

Allele frequency attached by ClinVar (database versions not stated): gnomAD exomes below 0.00001.
gnomAD v4.1: 1 of 1,614,122 alleles (0.000062%); highest among the groups gnomAD compares: Admixed American, 0.0017%; no homozygotes.

Submission:

Labcorp Genetics (formerly Invitae), Labcorp
Classification: Uncertain significance. Last evaluated: 2023-12-07. Review status: criteria provided, single submitter. Criteria: Invitae Variant Classification Sherloc (09022015). Collection method: clinical testing. Allele origin: germline.
Comment: This sequence change replaces glutamic acid, which is acidic and polar, with glutamine, which is neutral and polar, at codon 382 of the NIN protein (p.Glu382Gln). This variant is present in population databases (no rsID available, gnomAD 0.003%). This variant has not been reported in the literature in individuals affected with NIN-related conditions. An algorithm developed to predict the effect of missense changes on protein structure and function (PolyPhen-2) suggests that this variant is likely to be disruptive. In summary, the available evidence is currently insufficient to determine the role of this variant in disease. Therefore, it has been classified as a Variant of Uncertain Significance.

NM_020921.4(NIN):c.1144G>C (p.Glu382Gln)

Gene: NIN (ninein; minus strand). Cytogenetic location: 14q22.1.
Variant type: single nucleotide variant.
Coding change: c.1144G>C on transcript NM_020921.4 (MANE Select); coding-DNA position 1144, G replaced by C.
Protein change: p.Glu382Gln; replaces glutamic acid 382 with glutamine.
Molecular consequence: missense variant.
Genome position (GRCh38, 1-based): chr14:50,770,967, C>G on the plus strand (G>C on the coding strand, the complement: NIN is on the minus strand). VCF-style: chr14-50770967-C-G. GRCh37 (hg19) VCF-style: chr14-51237685-C-G.
Other names: c.1144G>C, p.Glu382Gln (NM_016350.5, NM_182944.3, NM_182946.2); short protein forms E382Q.
Identifiers: ClinVar variation 2710205 (VCV002710205.3), dbSNP rs1305200315, ClinGen allele CA389666801.